The following is an entry in ClinVar:

NM_000521.4(HEXB):c.772-2A>C

Gene: HEXB (hexosaminidase subunit beta; plus strand). Cytogenetic location: 5q13.3.
Variant type: single nucleotide variant.
Coding change: c.772-2A>C on transcript NM_000521.4 (MANE Select); the canonical splice acceptor site of the intron before coding-DNA position 772, A replaced by C.
Molecular consequence: splice acceptor variant.
Genome position (GRCh38, 1-based): chr5:74,713,504, A>C. VCF-style: chr5-74713504-A-C. GRCh37 (hg19) VCF-style: chr5-74009329-A-C.
Other names: c.97-2A>C (NM_001292004.2).
Identifiers: ClinVar variation 2753379 (VCV002753379.5), dbSNP rs1416215171, ClinGen allele CA360066952.

ClinVar aggregate classification (germline): Likely pathogenic. Review status: criteria provided, multiple submitters, no conflicts (2 of 4 stars). 2 submissions from 2 submitters: Likely pathogenic (2). Last evaluated 2024-09-03.

Conditions:
Sandhoff disease. Also called: GM2-GANGLIOSIDOSIS, TYPE II; HEXOSAMINIDASES A AND B DEFICIENCY; Beta-hexosaminidase-beta-subunit deficiency; GM2 gangliosidosis, type 2; Total hexosaminidase deficiency; Sandhoff-Jatzkewitz-Pilz disease. Identifiers: Orphanet 796, MedGen C0036161, MONDO:0010006, OMIM 268800.

Submissions (2):

Centre of Medical Genetics, University Hospital Muenster
Classification: Likely pathogenic. Last evaluated: 2024-09-03. Review status: criteria provided, single submitter. Criteria: ACMG Guidelines, 2015. Collection method: clinical testing. Allele origin: unknown. Affected: yes. Observed: 1 variant allele, 1 heterozygote.
Comment: ACMG categories: PVS1,PM2

Labcorp Genetics (formerly Invitae), Labcorp
Classification: Likely pathogenic for Sandhoff disease. Last evaluated: 2023-08-17. Review status: criteria provided, single submitter. Criteria: Invitae Variant Classification Sherloc (09022015). Collection method: clinical testing. Allele origin: germline.
Comment: This sequence change affects an acceptor splice site in intron 6 of the HEXB gene. It is expected to disrupt RNA splicing. Variants that disrupt the donor or acceptor splice site typically lead to a loss of protein function (PMID: 16199547), and loss-of-function variants in HEXB are known to be pathogenic (PMID: 7550345, 18758829). This variant is not present in population databases (gnomAD no frequency). This variant has not been reported in the literature in individuals affected with HEXB-related conditions. Algorithms developed to predict the effect of sequence changes on RNA splicing suggest that this variant may disrupt the consensus splice site. In summary, the currently available evidence indicates that the variant is pathogenic, but additional data are needed to prove that conclusively. Therefore, this variant has been classified as Likely Pathogenic.

Literature cited by the submitters: PubMed 16199547 (cited by Labcorp Genetics (formerly Invitae), Labcorp); PubMed 7550345 (cited by Labcorp Genetics (formerly Invitae), Labcorp); PubMed 18758829 (cited by Labcorp Genetics (formerly Invitae), Labcorp).